The following is an entry in ClinVar:

ClinVar aggregate classification (germline): Uncertain significance (1 of 4 stars; one submission).

Conditions:
Charcot-Marie-Tooth Neuropathy X. Identifiers: MedGen CN118851.

Allele frequency attached by ClinVar (database versions not stated): TOPMed below 0.00001; gnomAD 0.00001; gnomAD exomes 0.00001.
gnomAD v4.1: 10 of 1,208,683 alleles (0.00083%); highest among the groups gnomAD compares: Admixed American, 0.0022%; no homozygotes.

Submission:

Labcorp Genetics (formerly Invitae), Labcorp
Classification: Uncertain significance for Charcot-Marie-Tooth Neuropathy X. Last evaluated: 2024-09-17. Review status: criteria provided, single submitter. Criteria: Invitae Variant Classification Sherloc (09022015). Collection method: clinical testing. Allele origin: germline.
Comment: This sequence change replaces proline, which is neutral and non-polar, with serine, which is neutral and polar, at codon 228 of the GJB1 protein (p.Pro228Ser). The frequency data for this variant in the population databases is considered unreliable, as metrics indicate poor data quality at this position in the gnomAD database. This variant has not been reported in the literature in individuals affected with GJB1-related conditions. ClinVar contains an entry for this variant (Variation ID: 1372267). Invitae Evidence Modeling of protein sequence and biophysical properties (such as structural, functional, and spatial information, amino acid conservation, physicochemical variation, residue mobility, and thermodynamic stability) indicates that this missense variant is not expected to disrupt GJB1 protein function with a negative predictive value of 80%. In summary, the available evidence is currently insufficient to determine the role of this variant in disease. Therefore, it has been classified as a Variant of Uncertain Significance.

NM_000166.6(GJB1):c.682C>T (p.Pro228Ser)

Gene: GJB1 (gap junction protein beta 1; plus strand). Cytogenetic location: Xq13.1.
Variant type: single nucleotide variant.
Coding change: c.682C>T on transcript NM_000166.6 (MANE Select); coding-DNA position 682, C replaced by T.
Protein change: p.Pro228Ser; replaces proline 228 with serine.
Molecular consequence: missense variant.
Genome position (GRCh38, 1-based): chrX:71,224,389, C>T. VCF-style: chrX-71224389-C-T. GRCh37 (hg19) VCF-style: chrX-70444239-C-T.
Other names: c.682C>T, p.Pro228Ser (NM_001097642.3); short protein forms P228S.
Identifiers: ClinVar variation 1372267 (VCV001372267.7), dbSNP rs1408060576, ClinGen allele CA413503518.
Genomic context (GRCh38, chrX:71,224,389, plus strand): 5'-GAGGTGGTGTACCTCATCATCCGGGCCTGTGCCCGCCGAGCCCAGCGCCGCTCCAATCCA[C>T]CTTCCCGCAAGGGCTCGGGCTTCGGCCACCGCCTCTCACCTGAATACAAGCAGAATGAGA-3'
Protein context (NP_000157.1, residues 218-238): ARRAQRRSNP[Pro228Ser]SRKGSGFGHR